The following is an entry in ClinVar:

ClinVar aggregate classification (germline): Uncertain significance (1 of 4 stars; one submission).

Submission:

GeneDx
Classification: Uncertain significance. Last evaluated: 2026-03-10. Review status: criteria provided, single submitter. Criteria: GeneDx Variant Classification Process June 2021. Collection method: clinical testing. Allele origin: germline.
Comment: Not observed at significant frequency in large population cohorts (gnomAD); In silico analysis suggests that this missense variant does not alter protein structure/function; Has not been previously published as pathogenic or benign to our knowledge

NM_014727.3(KMT2B):c.2038G>C (p.Glu680Gln)

Gene: KMT2B (lysine methyltransferase 2B; plus strand). Cytogenetic location: 19q13.12.
Variant type: single nucleotide variant.
Coding change: c.2038G>C on transcript NM_014727.3 (MANE Select); coding-DNA position 2038, G replaced by C.
Protein change: p.Glu680Gln; replaces glutamic acid 680 with glutamine.
Molecular consequence: missense variant.
Genome position (GRCh38, 1-based): chr19:35,721,385, G>C. VCF-style: chr19-35721385-G-C. GRCh37 (hg19) VCF-style: chr19-36212287-G-C.
Other names: short protein forms E680Q.
Identifiers: ClinVar variation 5008428 (VCV005008428.1).
Genomic context (GRCh38, chr19:35,721,385, plus strand): 5'-AAGATCTACGAATCGGTGCTTACTCCTCCTCCTCTTGGGGCTCCTGAAGCCCCTGAGCCA[G>C]AGCCTCCTCCTGCCGATGACTCTCCAGCTGAGCCTGAGCCTCGGGCAGTGGGCCGCACCA-3'
Protein context (NP_055542.1, residues 670-690): PLGAPEAPEP[Glu680Gln]PPPADDSPAE